The following is an entry in ClinVar:

ClinVar aggregate classification (germline): Uncertain significance (1 of 4 stars; one submission).

Conditions:
Dilated cardiomyopathy 1O (CMD1O). Also called: CARDIOMYOPATHY, DILATED, WITH VENTRICULAR TACHYCARDIA. Identifiers: Orphanet 154, MedGen C1837839, MONDO:0012062, OMIM 608569.

gnomAD v4.1: 1 of 1,613,994 alleles (0.000062%); highest among the groups gnomAD compares: Non-Finnish European, 0.000085%; no homozygotes.

Submission:

Labcorp Genetics (formerly Invitae), Labcorp
Classification: Uncertain significance for Dilated cardiomyopathy 1O. Last evaluated: 2024-02-23. Review status: criteria provided, single submitter. Criteria: Invitae Variant Classification Sherloc (09022015). Collection method: clinical testing. Allele origin: germline.
Comment: This sequence change replaces glycine, which is neutral and non-polar, with arginine, which is basic and polar, at codon 648 of the ABCC9 protein (p.Gly648Arg). This variant is present in population databases (rs368279608, gnomAD 0.0009%). This variant has not been reported in the literature in individuals affected with ABCC9-related conditions. Advanced modeling of protein sequence and biophysical properties (such as structural, functional, and spatial information, amino acid conservation, physicochemical variation, residue mobility, and thermodynamic stability) performed at Invitae indicates that this missense variant is not expected to disrupt ABCC9 protein function with a negative predictive value of 80%. In summary, the available evidence is currently insufficient to determine the role of this variant in disease. Therefore, it has been classified as a Variant of Uncertain Significance.

NM_020297.4(ABCC9):c.1942G>A (p.Gly648Arg)

Gene: ABCC9 (ATP binding cassette subfamily C member 9; minus strand). Cytogenetic location: 12p12.1.
Variant type: single nucleotide variant.
Coding change: c.1942G>A on transcript NM_020297.4 (MANE Select); coding-DNA position 1942, G replaced by A.
Protein change: p.Gly648Arg; replaces glycine 648 with arginine.
Molecular consequence: missense variant.
Genome position (GRCh38, 1-based): chr12:21,882,843, C>T on the plus strand (G>A on the coding strand, the complement: ABCC9 is on the minus strand). VCF-style: chr12-21882843-C-T. GRCh37 (hg19) VCF-style: chr12-22035777-C-T.
Other names: c.1942G>A, p.Gly648Arg (NM_001377273.1, NM_005691.4); c.1078G>A, p.Gly360Arg (NM_001377274.1); short protein forms G360R, G648R.
Identifiers: ClinVar variation 3642730 (VCV003642730.2).